The following is an entry in ClinVar:

NM_138413.4(HOGA1):c.103A>G (p.Ile35Val)

Gene: HOGA1 (4-hydroxy-2-oxoglutarate aldolase 1; plus strand). Cytogenetic location: 10q24.2.
Variant type: single nucleotide variant.
Coding change: c.103A>G on transcript NM_138413.4 (MANE Select); coding-DNA position 103, A replaced by G.
Protein change: p.Ile35Val; replaces isoleucine 35 with valine.
Molecular consequence: missense variant.
Genome position (GRCh38, 1-based): chr10:97,584,806, A>G. VCF-style: chr10-97584806-A-G. GRCh37 (hg19) VCF-style: chr10-99344563-A-G.
Other names: c.103A>G, p.Ile35Val (NM_001134670.2); short protein forms I35V.
Identifiers: ClinVar variation 2664409 (VCV002664409.1), dbSNP rs758339645, ClinGen allele CA5633831.
Genomic context (GRCh38, chr10:97,584,806, plus strand): 5'-AGCAGGAGCTTGTCCAGGAATGTGGGGGTCTGGGCCTCAGGGGAGGGGAAGAAGGTGGAC[A>G]TTGCGGGTATCTACCCCCCTGTGACCACCCCCTTCACTGCCACTGCAGAGGTGGACTATG-3'
Protein context (NP_612422.2, residues 25-45): WASGEGKKVD[Ile35Val]AGIYPPVTTP

ClinVar aggregate classification (germline): Uncertain significance (1 of 4 stars; one submission).

Conditions:
Primary hyperoxaluria type 3. Also called: PH III. Identifiers: Orphanet 416, Orphanet 93600, MedGen C3150878, MONDO:0013327, OMIM 613616. Disease mechanism: loss of function.

Allele frequency attached by ClinVar (database versions not stated): gnomAD 0.00001; gnomAD exomes 0.00001; ExAC 0.00002; TOPMed 0.00002.
gnomAD v4.1: 5 of 1,613,950 alleles (0.00031%); highest among the groups gnomAD compares: East Asian, 0.0089%; no homozygotes.

Submission:

Clinical Biochemistry Laboratory, Health Services Laboratory
Classification: Uncertain significance for Primary hyperoxaluria type 3. Last evaluated: 2023-10-27. Review status: criteria provided, single submitter. Criteria: ACMG Guidelines, 2015. Collection method: curation. Allele origin: germline. Affected: yes.
Comment: ACMG:PM1 PM3 PP4 BP1

Literature cited by the submitters: PubMed 35612621.